The following is an entry in ClinVar:

NM_006005.3(WFS1):c.2390A>T (p.Asp797Val)

Gene: WFS1 (wolframin ER transmembrane glycoprotein; plus strand). Cytogenetic location: 4p16.1.
Variant type: single nucleotide variant.
Coding change: c.2390A>T on transcript NM_006005.3 (MANE Select); coding-DNA position 2390, A replaced by T.
Protein change: p.Asp797Val; replaces aspartic acid 797 with valine.
Molecular consequence: missense variant.
Genome position (GRCh38, 1-based): chr4:6,302,185, A>T. VCF-style: chr4-6302185-A-T. GRCh37 (hg19) VCF-style: chr4-6303912-A-T.
Other names: c.2390A>T, p.Asp797Val (NM_001145853.1); short protein forms D797V.
Identifiers: ClinVar variation 2203531 (VCV002203531.6), dbSNP rs2474197080, ClinGen allele CA356178491.

ClinVar aggregate classification (germline): Conflicting classifications of pathogenicity. Review status: criteria provided, conflicting classifications (1 of 4 stars). 3 submissions from 3 submitters: Pathogenic (1); Likely pathogenic (1); Uncertain significance (1). Last evaluated 2025-03-31.

Conditions:
WFS1-related disorder. Identifiers: MedGen CN379391, MONDO:0700293.

Submissions (3):

Labcorp Genetics (formerly Invitae), Labcorp
Classification: Uncertain significance. Last evaluated: 2025-03-31. Review status: criteria provided, single submitter. Criteria: Invitae Variant Classification Sherloc (09022015). Collection method: clinical testing. Allele origin: germline.
Comment: This sequence change replaces aspartic acid, which is acidic and polar, with valine, which is neutral and non-polar, at codon 797 of the WFS1 protein (p.Asp797Val). This variant is not present in population databases (gnomAD no frequency). This missense change has been observed in individual(s) with clinical features of WFS1-related conditions (PMID: 21602428, 26875006, 33841295, 38219857). ClinVar contains an entry for this variant (Variation ID: 2203531). Invitae Evidence Modeling of protein sequence and biophysical properties (such as structural, functional, and spatial information, amino acid conservation, physicochemical variation, residue mobility, and thermodynamic stability) has been performed for this missense variant. However, the output from this modeling did not meet the statistical confidence thresholds required to predict the impact of this variant on WFS1 protein function. This variant disrupts the p.Asp797 amino acid residue in WFS1. Other variant(s) that disrupt this residue have been determined to be pathogenic (PMID: 25250959, 29447883). This suggests that this residue is clinically significant, and that variants that disrupt this residue are likely to be disease-causing. In summary, the available evidence is currently insufficient to determine the role of this variant in disease. Therefore, it has been classified as a Variant of Uncertain Significance.

GeneDx
Classification: Pathogenic. Last evaluated: 2024-01-09. Review status: criteria provided, single submitter. Criteria: GeneDx Variant Classification Process June 2021. Collection method: clinical testing. Allele origin: germline. Affected: yes.
Comment: Identified in a patient with optic atrophy, sensorineural hearing loss, and diabetes in published literature (PMID: 26875006); Not observed at significant frequency in large population cohorts (gnomAD); In silico analysis supports that this missense variant has a deleterious effect on protein structure/function; This variant is associated with the following publications: (PMID: 37041640, 33841295, 35469785, 25250959, 29447883, 34387732, 26875006, 21602428)

Blueprint Genetics
Classification: Likely pathogenic for WFS1-related disorders. Last evaluated: 2020-03-30. Review status: criteria provided, single submitter. Criteria: ACMG Guidelines, 2015. Collection method: clinical testing. Allele origin: germline. Affected: yes. Observed: 1 variant allele.

Literature cited by the submitters: PubMed 21602428 (cited by Labcorp Genetics (formerly Invitae), Labcorp); PubMed 26875006 (cited by Labcorp Genetics (formerly Invitae), Labcorp); PubMed 33841295 (cited by Labcorp Genetics (formerly Invitae), Labcorp); PubMed 38219857 (cited by Labcorp Genetics (formerly Invitae), Labcorp); PubMed 25250959 (cited by Labcorp Genetics (formerly Invitae), Labcorp); PubMed 29447883 (cited by Labcorp Genetics (formerly Invitae), Labcorp).